The following is an entry in ClinVar:

NM_033517.1:c.3169C>G

Gene: SHANK3 (SH3 and multiple ankyrin repeat domains 3; plus strand).
Variant type: single nucleotide variant.
Other names: c.3169C>G (NM_033517.1).
Identifiers: ClinVar variation 4795428 (VCV004795428.1).

ClinVar aggregate classification (germline): Uncertain significance (1 of 4 stars; one submission).

Submission:

GeneDx
Classification: Uncertain significance. Last evaluated: 2025-08-12. Review status: criteria provided, single submitter. Criteria: GeneDx Variant Classification Process June 2021. Collection method: clinical testing. Allele origin: germline. Affected: yes.
Comment: Not observed at significant frequency in large population cohorts (gnomAD); In silico analysis suggests that this missense variant does not alter protein structure/function; Has not been previously published as pathogenic or benign to our knowledge